The following is an entry in ClinVar:

NM_206933.4(USH2A):c.12993T>A (p.Tyr4331Ter)

Gene: USH2A (usherin; minus strand). Cytogenetic location: 1q41.
Variant type: single nucleotide variant.
Coding change: c.12993T>A on transcript NM_206933.4 (MANE Select); coding-DNA position 12993, T replaced by A.
Protein change: p.Tyr4331Ter; replaces tyrosine 4331 with a stop codon.
Molecular consequence: nonsense.
Genome position (GRCh38, 1-based): chr1:215,674,918, A>T on the plus strand (T>A on the coding strand, the complement: USH2A is on the minus strand). VCF-style: chr1-215674918-A-T. GRCh37 (hg19) VCF-style: chr1-215848260-A-T.
Other names: short protein forms Y4331*.
Identifiers: ClinVar variation 1724105 (VCV001724105.2), dbSNP rs1220617136, ClinGen allele CA344847913.

ClinVar aggregate classification (germline): Likely pathogenic (1 of 4 stars; one submission).

Conditions:
Usher syndrome type 2A. Also called: RETINAL DISEASE IN USHER SYNDROME TYPE IIA, MODIFIER OF; USHER SYNDROME, TYPE IIA. Identifiers: Orphanet 231178, Orphanet 886, MedGen C1848634, MONDO:0010169, OMIM 276901.

Submission:

Myriad Genetics, Inc.
Classification: Likely pathogenic for Usher syndrome type 2A. Last evaluated: 2022-01-25. Review status: criteria provided, single submitter. Criteria: Myriad Women's Health Autosomal Recessive and X-Linked Classification Criteria (2021). Collection method: clinical testing. Allele origin: unknown.
Comment: NM_206933.2(USH2A):c.12993T>A(Y4331*) is expected to be pathogenic in the context of USH2A-related disorders. This variant is predicted to lead to an abnormal or absent protein product due to the creation of a premature termination codon in USH2A, a gene where loss-of-function variants are known to be pathogenic. Please note: this variant was assessed in the context of healthy population screening.